The following is an entry in ClinVar:

ClinVar aggregate classification (germline): Uncertain significance (1 of 4 stars; one submission).

Conditions:
Cardiomyopathy (CMYO). Also called: Cardiomyopathies. Identifiers: Orphanet 167848, MedGen C0878544, MONDO:0004994, HP:0001638. Inheritance: Various modes of inheritance.

Submission:

Color Diagnostics, LLC DBA Color Health
Classification: Uncertain significance for Cardiomyopathy. Last evaluated: 2025-05-30. Review status: criteria provided, single submitter. Criteria: ACMG Guidelines, 2015. Collection method: clinical testing. Allele origin: germline.
Comment: This missense variant replaces glutamine with glutamic acid at codon 106 of the RYR2 protein. Computational prediction is inconclusive regarding the impact of this variant on protein structure and function. To our knowledge, functional studies have not been reported for this variant. This variant has not been reported in individuals affected with RYR2-related disorders in the literature. This variant has not been identified in the general population by the Genome Aggregation Database (gnomAD). The available evidence is insufficient to determine the role of this variant in disease conclusively. Therefore, this variant is classified as a Variant of Uncertain Significance.

NM_001035.3(RYR2):c.316C>G (p.Gln106Glu)

Gene: RYR2 (ryanodine receptor 2; plus strand). Cytogenetic location: 1q43.
Variant type: single nucleotide variant.
Coding change: c.316C>G on transcript NM_001035.3 (MANE Select); coding-DNA position 316, C replaced by G.
Protein change: p.Gln106Glu; replaces glutamine 106 with glutamic acid.
Molecular consequence: missense variant.
Genome position (GRCh38, 1-based): chr1:237,369,540, C>G. VCF-style: chr1-237369540-C-G. GRCh37 (hg19) VCF-style: chr1-237532840-C-G.
Other names: short protein forms Q106E.
Identifiers: ClinVar variation 4756758 (VCV004756758.1).